The following is an entry in ClinVar:

NM_014855.3(AP5Z1):c.*2710A>G

Gene: AP5Z1 (adaptor related protein complex 5 subunit zeta 1; plus strand). Cytogenetic location: 7p22.1.
Variant type: single nucleotide variant.
Coding change: c.*2710A>G on transcript NM_014855.3 (MANE Select); 2710 bases downstream of the stop codon, A replaced by G.
Molecular consequence: 3 prime UTR variant. On other transcripts: non-coding transcript variant (1).
Genome position (GRCh38, 1-based): chr7:4,794,095, A>G. VCF-style: chr7-4794095-A-G. GRCh37 (hg19) VCF-style: chr7-4833726-A-G.
Other names: c.*2710A>G (NM_001364858.1).
Identifiers: ClinVar variation 911324 (VCV000911324.4), dbSNP rs193143390, ClinGen allele CA153041178.

ClinVar aggregate classification (germline): Likely benign (1 of 4 stars; one submission).

Conditions:
Hereditary spastic paraplegia 48. Also called: Spastic paraplegia 48; SPASTIC PARAPLEGIA 48, AUTOSOMAL RECESSIVE. Identifiers: Orphanet 306511, MedGen C3150901, MONDO:0013342, OMIM 613647.

Allele frequency attached by ClinVar (database versions not stated): gnomAD 0.00389 and 0.00410; TOPMed 0.00450; 1000 Genomes Project 0.00459; 1000 Genomes Project 30x 0.00468.

Submission:

Illumina Laboratory Services, Illumina
Classification: Likely benign for Hereditary spastic paraplegia 48. Last evaluated: 2018-01-13. Review status: criteria provided, single submitter. Criteria: ICSL Variant Classification Criteria 13 December 2019. Collection method: clinical testing. Allele origin: germline.
Comment: This variant was observed in the ICSL laboratory as part of a predisposition screen in an ostensibly healthy population. It had not been previously curated by ICSL or reported in the Human Gene Mutation Database (HGMD: prior to June 1st, 2018), and was therefore a candidate for classification through an automated scoring system. Utilizing variant allele frequency, disease prevalence and penetrance estimates, and inheritance mode, an automated score was calculated to assess if this variant is too frequent to cause the disease. Based on the score and internal cut-off values, a variant classified as likely benign is not then subjected to further curation. The score for this variant resulted in a classification of likely benign for this disease.